The following is an entry in ClinVar:

ClinVar aggregate classification (germline): Uncertain significance. Review status: criteria provided, multiple submitters, no conflicts (2 of 4 stars). 2 submissions from 2 submitters: Uncertain significance (2). Last evaluated 2025-03-28.

Conditions:
Hereditary cancer-predisposing syndrome. Also called: Hereditary neoplastic syndrome; Neoplastic Syndromes, Hereditary; Tumor predisposition; Hereditary Cancer Syndrome. Identifiers: Orphanet 140162, MedGen C0027672, MeSH D009386, MONDO:0015356.
Retinoblastoma (RB1). Also called: RETINOBLASTOMA, SOMATIC. Identifiers: Orphanet 790, MedGen C0035335, MeSH D012175, MONDO:0008380, OMIM 180200, HP:0009919. Disease mechanism: loss of function. Inheritance: Both sporadic and heritable forms are tested..

Allele frequency attached by ClinVar (database versions not stated): gnomAD exomes below 0.00001.
gnomAD v4.1: 1 of 1,604,300 alleles (0.000062%); highest among the groups gnomAD compares: Non-Finnish European, 0.000085%; no homozygotes.

Submissions (2):

Ambry Genetics
Classification: Uncertain significance for Hereditary cancer-predisposing syndrome. Last evaluated: 2025-03-28. Review status: criteria provided, single submitter. Criteria: Ambry Variant Classification Scheme 2023. Collection method: clinical testing. Allele origin: germline.
Comment: The p.T342I variant (also known as c.1025C>T), located in coding exon 10 of the RB1 gene, results from a C to T substitution at nucleotide position 1025. The threonine at codon 342 is replaced by isoleucine, an amino acid with similar properties. This amino acid position is highly conserved in available vertebrate species. In addition, the in silico prediction for this alteration is inconclusive. Since supporting evidence is limited at this time, the clinical significance of this alteration remains unclear.

Labcorp Genetics (formerly Invitae), Labcorp
Classification: Uncertain significance for Retinoblastoma. Last evaluated: 2022-08-26. Review status: criteria provided, single submitter. Criteria: Invitae Variant Classification Sherloc (09022015). Collection method: clinical testing. Allele origin: germline.
Comment: In summary, the available evidence is currently insufficient to determine the role of this variant in disease. Therefore, it has been classified as a Variant of Uncertain Significance. Algorithms developed to predict the effect of missense changes on protein structure and function are either unavailable or do not agree on the potential impact of this missense change (SIFT: "Deleterious"; PolyPhen-2: "Benign"; Align-GVGD: "Class C65"). This variant has not been reported in the literature in individuals affected with RB1-related conditions. This variant is not present in population databases (gnomAD no frequency). This sequence change replaces threonine, which is neutral and polar, with isoleucine, which is neutral and non-polar, at codon 342 of the RB1 protein (p.Thr342Ile).

NM_000321.3(RB1):c.1025C>T (p.Thr342Ile)

Gene: RB1 (RB transcriptional corepressor 1; plus strand). Cytogenetic location: 13q14.2.
Variant type: single nucleotide variant.
Coding change: c.1025C>T on transcript NM_000321.3 (MANE Select); coding-DNA position 1025, C replaced by T.
Protein change: p.Thr342Ile; replaces threonine 342 with isoleucine.
Molecular consequence: missense variant.
Genome position (GRCh38, 1-based): chr13:48,367,579, C>T. VCF-style: chr13-48367579-C-T. GRCh37 (hg19) VCF-style: chr13-48941715-C-T.
Other names: c.1025C>T, p.Thr342Ile (NM_001407165.1, NM_001407166.1); short protein forms T342I.
Identifiers: ClinVar variation 2050290 (VCV002050290.5), dbSNP rs2542188649, ClinGen allele CA388160869.